The following is an entry in ClinVar:

NM_000548.5(TSC2):c.2688G>A (p.Trp896Ter)

Gene: TSC2 (TSC complex subunit 2; plus strand). Cytogenetic location: 16p13.3.
Variant type: single nucleotide variant.
Coding change: c.2688G>A on transcript NM_000548.5 (MANE Select); coding-DNA position 2688, G replaced by A.
Protein change: p.Trp896Ter; replaces tryptophan 896 with a stop codon.
Molecular consequence: nonsense.
Genome position (GRCh38, 1-based): chr16:2,076,116, G>A. VCF-style: chr16-2076116-G-A. GRCh37 (hg19) VCF-style: chr16-2126117-G-A.
Other names: c.2688G>A, p.Trp896Ter (NM_001077183.3, NM_001114382.3, NM_001363528.2 and 3 more transcripts); c.2577G>A, p.Trp859Ter (NM_001318827.2); c.2541G>A, p.Trp847Ter (NM_001318829.2); c.2088G>A, p.Trp696Ter (NM_001318831.2); c.2721G>A, p.Trp907Ter (NM_001318832.2); short protein forms W896*, W847*, W859*, W696*, W907*.
Identifiers: ClinVar variation 64888 (VCV000064888.11), dbSNP rs397514913, ClinGen allele CA017887.
Genomic context (GRCh38, chr16:2,076,116, plus strand): 5'-TTCTCATCTCAGGTTTAATCAGTACATCGTGTGTCTGGCCCATCACGTCATAGCCATGTG[G>A]TTCATCAGGTGCCGCCTGCCCTTCCGGAAGGATTTTGTCCCTTTCATCACTAAGGTGGGC-3'

ClinVar aggregate classification (germline): Pathogenic. Review status: criteria provided, single submitter (1 of 4 stars). 2 submissions from 2 submitters: Pathogenic (1). 1 of the submissions does not count toward it. Last evaluated 2019-06-28.

Conditions:
Tuberous sclerosis syndrome (TSC). Also called: Tuberous Sclerosis Complex; Tuberous sclerosis. Identifiers: Orphanet 805, MedGen C0041341, MONDO:0001734.
Tuberous sclerosis 2 (TSC2). Identifiers: Orphanet 805, MedGen C1860707, MONDO:0013199, OMIM 613254.

Submissions (2):

Labcorp Genetics (formerly Invitae), Labcorp
Classification: Pathogenic for Tuberous sclerosis 2. Last evaluated: 2019-06-28. Review status: criteria provided, single submitter. Criteria: Invitae Variant Classification Sherloc (09022015). Collection method: clinical testing. Allele origin: germline.
Comment: This sequence change creates a premature translational stop signal (p.Trp896*) in the TSC2 gene. It is expected to result in an absent or disrupted protein product. This variant is not present in population databases (ExAC no frequency). This protein change has been observed in an individual affected with tuberous sclerosis complex (PMID: 11112665). Loss-of-function variants in TSC2 are known to be pathogenic (PMID: 10205261, 17304050). For these reasons, this variant has been classified as Pathogenic.

Tuberous sclerosis database (TSC2)
No classification provided. Condition: TSC. Review status: no classification provided. Criteria: Tuberous Sclerosis Database Assertion Criteria 2015. Collection method: curation. Allele origin: germline. Affected: yes. Not counted in ClinVar's aggregate classification.

Literature cited by the submitters: PubMed 11112665 (cited by Labcorp Genetics (formerly Invitae), Labcorp); PubMed 10205261 (cited by Labcorp Genetics (formerly Invitae), Labcorp); PubMed 17304050 (cited by Labcorp Genetics (formerly Invitae), Labcorp).